The following is an entry in ClinVar:

NM_173630.4(RTTN):c.2237A>C (p.Asp746Ala)

Gene: RTTN (rotatin; minus strand). Cytogenetic location: 18q22.2.
Variant type: single nucleotide variant.
Coding change: c.2237A>C on transcript NM_173630.4 (MANE Select); coding-DNA position 2237, A replaced by C.
Protein change: p.Asp746Ala; replaces aspartic acid 746 with alanine.
Molecular consequence: missense variant. On other transcripts: 5 prime UTR variant (1).
Genome position (GRCh38, 1-based): chr18:70,148,973, T>G on the plus strand (A>C on the coding strand, the complement: RTTN is on the minus strand). VCF-style: chr18-70148973-T-G. GRCh37 (hg19) VCF-style: chr18-67816209-T-G.
Other names: c.-411A>C (NM_001318520.2); short protein forms D746A.
Identifiers: ClinVar variation 1932313 (VCV001932313.5), dbSNP rs776943396, ClinGen allele CA8995942.

ClinVar aggregate classification (germline): Uncertain significance (1 of 4 stars; one submission).

Allele frequency attached by ClinVar (database versions not stated): ExAC 0.00001.
gnomAD v4.1: 16 of 1,613,560 alleles (0.00099%); highest among the groups gnomAD compares: Non-Finnish European, 0.0013%; no homozygotes.

Submission:

Labcorp Genetics (formerly Invitae), Labcorp
Classification: Uncertain significance. Last evaluated: 2025-11-27. Review status: criteria provided, single submitter. Criteria: Invitae Variant Classification Sherloc (09022015). Collection method: clinical testing. Allele origin: germline.
Comment: This sequence change replaces aspartic acid, which is acidic and polar, with alanine, which is neutral and non-polar, at codon 746 of the RTTN protein (p.Asp746Ala). This variant is present in population databases (rs776943396, gnomAD 0.0009%). This variant has not been reported in the literature in individuals affected with RTTN-related conditions. ClinVar contains an entry for this variant (Variation ID: 1932313). Invitae Evidence Modeling of protein sequence and biophysical properties (such as structural, functional, and spatial information, amino acid conservation, physicochemical variation, residue mobility, and thermodynamic stability) indicates that this missense variant is not expected to disrupt RTTN protein function with a negative predictive value of 80%. In summary, the available evidence is currently insufficient to determine the role of this variant in disease. Therefore, it has been classified as a Variant of Uncertain Significance.